The following is an entry in ClinVar:

ClinVar aggregate classification (germline): Uncertain significance (1 of 4 stars; one submission).

Conditions:
Ataxia-telangiectasia syndrome (AT). Also called: ATAXIA-TELANGIECTASIA, COMPLEMENTATION GROUP A; ATAXIA-TELANGIECTASIA, FRESNO VARIANT; Ataxia-telangiectasia; Ataxia telangiectasia (A-T); Ataxia-telangiectasia, complementation group E; Cerebello-oculocutaneous telangiectasia. Identifiers: Orphanet 100, MedGen C0004135, MONDO:0008840, OMIM 208900.

Allele frequency attached by ClinVar (database versions not stated): gnomAD exomes below 0.00001.
gnomAD v4.1: 1 of 1,614,038 alleles (0.000062%); highest among the groups gnomAD compares: Non-Finnish European, 0.000085%; no homozygotes.

Submission:

Labcorp Genetics (formerly Invitae), Labcorp
Classification: Uncertain significance for Ataxia-telangiectasia syndrome. Last evaluated: 2022-01-03. Review status: criteria provided, single submitter. Criteria: Invitae Variant Classification Sherloc (09022015). Collection method: clinical testing. Allele origin: germline.
Comment: This sequence change replaces phenylalanine, which is neutral and non-polar, with tyrosine, which is neutral and polar, at codon 903 of the ATM protein (p.Phe903Tyr). This variant is not present in population databases (gnomAD no frequency). This variant has not been reported in the literature in individuals affected with ATM-related conditions. Advanced modeling of protein sequence and biophysical properties (such as structural, functional, and spatial information, amino acid conservation, physicochemical variation, residue mobility, and thermodynamic stability) performed at Invitae indicates that this missense variant is not expected to disrupt ATM protein function. In summary, the available evidence is currently insufficient to determine the role of this variant in disease. Therefore, it has been classified as a Variant of Uncertain Significance.

NM_000051.4(ATM):c.2708T>A (p.Phe903Tyr)

Gene: ATM (ATM serine/threonine kinase; plus strand). Cytogenetic location: 11q22.3.
Variant type: single nucleotide variant.
Coding change: c.2708T>A on transcript NM_000051.4 (MANE Select); coding-DNA position 2708, T replaced by A.
Protein change: p.Phe903Tyr; replaces phenylalanine 903 with tyrosine.
Molecular consequence: missense variant.
Genome position (GRCh38, 1-based): chr11:108,268,479, T>A. VCF-style: chr11-108268479-T-A. GRCh37 (hg19) VCF-style: chr11-108139206-T-A.
Other names: c.2708T>A, p.Phe903Tyr (NM_001351834.2); short protein forms F903Y.
Identifiers: ClinVar variation 2059375 (VCV002059375.4), dbSNP rs1555083208, ClinGen allele CA382545257.